The following is an entry in ClinVar:

NM_001312673.2(PCYT1A):c.395G>A (p.Arg132His)

Genes: PCYT1A (phosphate cytidylyltransferase 1A, choline; minus strand), LOC126806932 (BRD4-independent group 4 enhancer GRCh37_chr3:195973646-195974845; plus strand). Cytogenetic location: 3q29.
Variant type: single nucleotide variant.
Coding change: c.395G>A on transcript NM_001312673.2 (MANE Select); coding-DNA position 395, G replaced by A.
Protein change: p.Arg132His; replaces arginine 132 with histidine.
Molecular consequence: missense variant.
Genome position (GRCh38, 1-based): chr3:196,247,458, C>T on the plus strand (G>A on the coding strand, the complement: PCYT1A is on the minus strand). VCF-style: chr3-196247458-C-T. GRCh37 (hg19) VCF-style: chr3-195974329-C-T.
Other names: c.395G>A, p.Arg132His (NM_005017.4); short protein forms R132H.
Identifiers: ClinVar variation 853459 (VCV000853459.4), dbSNP rs1205319354, ClinGen allele CA355612774.

ClinVar aggregate classification (germline): Uncertain significance (1 of 4 stars; one submission).

Allele frequency attached by ClinVar (database versions not stated): TOPMed 0.00002; gnomAD 0.00001.
gnomAD v4.1: 9 of 1,614,024 alleles (0.00056%); highest among the groups gnomAD compares: African/African-American, 0.0013%; no homozygotes.

Submission:

Labcorp Genetics (formerly Invitae), Labcorp
Classification: Uncertain significance. Last evaluated: 2022-08-21. Review status: criteria provided, single submitter. Criteria: Invitae Variant Classification Sherloc (09022015). Collection method: clinical testing. Allele origin: germline.
Comment: This sequence change replaces arginine, which is basic and polar, with histidine, which is basic and polar, at codon 132 of the PCYT1A protein (p.Arg132His). This variant is not present in population databases (gnomAD no frequency). This variant has not been reported in the literature in individuals affected with PCYT1A-related conditions. ClinVar contains an entry for this variant (Variation ID: 853459). Advanced modeling of protein sequence and biophysical properties (such as structural, functional, and spatial information, amino acid conservation, physicochemical variation, residue mobility, and thermodynamic stability) performed at Invitae indicates that this missense variant is expected to disrupt PCYT1A protein function. In summary, the available evidence is currently insufficient to determine the role of this variant in disease. Therefore, it has been classified as a Variant of Uncertain Significance.